The following is an entry in ClinVar:

NM_020638.3(FGF23):c.688G>A (p.Gly230Ser)

Gene: FGF23 (fibroblast growth factor 23; minus strand). Cytogenetic location: 12p13.32.
Variant type: single nucleotide variant.
Coding change: c.688G>A on transcript NM_020638.3 (MANE Select); coding-DNA position 688, G replaced by A.
Protein change: p.Gly230Ser; replaces glycine 230 with serine.
Molecular consequence: missense variant.
Genome position (GRCh38, 1-based): chr12:4,370,411, C>T on the plus strand (G>A on the coding strand, the complement: FGF23 is on the minus strand). VCF-style: chr12-4370411-C-T. GRCh37 (hg19) VCF-style: chr12-4479577-C-T.
Other names: short protein forms G230S.
Identifiers: ClinVar variation 2573597 (VCV002573597.4), dbSNP rs753345321, ClinGen allele CA6395623.

ClinVar aggregate classification (germline): Uncertain significance. Review status: criteria provided, multiple submitters, no conflicts (2 of 4 stars). 4 submissions from 4 submitters: Uncertain significance (4). Last evaluated 2025-07-27.

Conditions:
Autosomal dominant hypophosphatemic rickets (ADHR). Also called: HYPOPHOSPHATEMIA, AUTOSOMAL DOMINANT; VITAMIN D-RESISTANT RICKETS, AUTOSOMAL DOMINANT. Identifiers: Orphanet 89937, MedGen C0342642, MONDO:0008660, OMIM 193100.
Tumoral calcinosis, hyperphosphatemic, familial, 2. Identifiers: MedGen C4693863, MONDO:0060714, OMIM 617993.
Inborn genetic diseases. Identifiers: MedGen C0950123, MeSH D030342.

Allele frequency attached by ClinVar (database versions not stated): ExAC 0.00001; gnomAD 0.00002.
gnomAD v4.1: 12 of 1,613,620 alleles (0.00074%); highest among the groups gnomAD compares: African/African-American, 0.004%; no homozygotes.

Submissions (4):

Labcorp Genetics (formerly Invitae), Labcorp
Classification: Uncertain significance. Last evaluated: 2025-07-27. Review status: criteria provided, single submitter. Criteria: Invitae Variant Classification Sherloc (09022015). Collection method: clinical testing. Allele origin: germline.
Comment: This sequence change replaces glycine, which is neutral and non-polar, with serine, which is neutral and polar, at codon 230 of the FGF23 protein (p.Gly230Ser). This variant is present in population databases (rs753345321, gnomAD 0.004%). This variant has not been reported in the literature in individuals affected with FGF23-related conditions. ClinVar contains an entry for this variant (Variation ID: 2573597). Invitae Evidence Modeling of protein sequence and biophysical properties (such as structural, functional, and spatial information, amino acid conservation, physicochemical variation, residue mobility, and thermodynamic stability) indicates that this missense variant is not expected to disrupt FGF23 protein function with a negative predictive value of 95%. In summary, the available evidence is currently insufficient to determine the role of this variant in disease. Therefore, it has been classified as a Variant of Uncertain Significance.

Ambry Genetics
Classification: Uncertain significance for Inborn genetic diseases. Last evaluated: 2025-04-10. Review status: criteria provided, single submitter. Criteria: Ambry Variant Classification Scheme 2023. Collection method: clinical testing. Allele origin: germline.

Fulgent Genetics
Classification: Uncertain significance for Autosomal dominant hypophosphatemic rickets; Tumoral calcinosis, hyperphosphatemic, familial, 2. Last evaluated: 2024-01-29. Review status: criteria provided, single submitter. Criteria: ACMG Guidelines, 2015. Collection method: clinical testing. Allele origin: germline.

Women's Health and Genetics/Laboratory Corporation of America, LabCorp
Classification: Uncertain significance. Last evaluated: 2023-06-29. Review status: criteria provided, single submitter. Criteria: LabCorp Variant Classification Summary - May 2015. Collection method: clinical testing. Allele origin: germline.
Comment: Variant summary: FGF23 c.688G>A (p.Gly230Ser) results in a non-conservative amino acid change in the encoded protein sequence. Four of five in-silico tools predict a benign effect of the variant on protein function. The variant allele was found at a frequency of 8e-06 in 250746 control chromosomes. The available data on variant occurrences in the general population are insufficient to allow any conclusion about variant significance. To our knowledge, no occurrence of c.688G>A in individuals affected with Autosomal Dominant Hypophosphatemic Rickets and no experimental evidence demonstrating its impact on protein function have been reported. No submitters have cited clinical-significance assessments for this variant to ClinVar after 2014. Based on the evidence outlined above, the variant was classified as uncertain significance.